The following is an entry in ClinVar:

NM_194248.3(OTOF):c.3420G>A (p.Trp1140Ter)

Gene: OTOF (otoferlin; minus strand). Cytogenetic location: 2p23.3.
Variant type: single nucleotide variant.
Coding change: c.3420G>A on transcript NM_194248.3 (MANE Select); coding-DNA position 3420, G replaced by A.
Protein change: p.Trp1140Ter; replaces tryptophan 1140 with a stop codon.
Molecular consequence: nonsense.
Genome position (GRCh38, 1-based): chr2:26,473,556, C>T on the plus strand (G>A on the coding strand, the complement: OTOF is on the minus strand). VCF-style: chr2-26473556-C-T. GRCh37 (hg19) VCF-style: chr2-26696424-C-T.
Other names: c.3420G>A, p.Trp1140Ter (NM_001287489.2); c.1179G>A, p.Trp393Ter (NM_004802.4, NM_194323.3); c.1350G>A, p.Trp450Ter (NM_194322.3); short protein forms W450*, W1140*, W393*.
Identifiers: ClinVar variation 3667548 (VCV003667548.2).

ClinVar aggregate classification (germline): Pathogenic (1 of 4 stars; one submission).

Submission:

Labcorp Genetics (formerly Invitae), Labcorp
Classification: Pathogenic. Last evaluated: 2025-02-19. Review status: criteria provided, single submitter. Criteria: Invitae Variant Classification Sherloc (09022015). Collection method: clinical testing. Allele origin: germline.
Comment: This sequence change creates a premature translational stop signal (p.Trp1140*) in the OTOF gene. It is expected to result in an absent or disrupted protein product. Loss-of-function variants in OTOF are known to be pathogenic (PMID: 18381613, 19250381, 22575033). This variant is not present in population databases (gnomAD no frequency). This variant has not been reported in the literature in individuals affected with OTOF-related conditions. For these reasons, this variant has been classified as Pathogenic.

Literature cited by the submitters: PubMed 18381613; PubMed 19250381; PubMed 22575033.